The following is an entry in ClinVar:

NM_001378120.1(MBD5):c.4051C>T (p.Pro1351Ser)

Gene: MBD5 (methyl-CpG binding domain protein 5; plus strand). Cytogenetic location: 2q23.1.
Variant type: single nucleotide variant.
Coding change: c.4051C>T on transcript NM_001378120.1 (MANE Select); coding-DNA position 4051, C replaced by T.
Protein change: p.Pro1351Ser; replaces proline 1351 with serine.
Molecular consequence: missense variant.
Genome position (GRCh38, 1-based): chr2:148,489,683, C>T. VCF-style: chr2-148489683-C-T. GRCh37 (hg19) VCF-style: chr2-149247252-C-T.
Other names: c.3352C>T, p.Pro1118Ser (NM_018328.5); short protein forms P1118S, P1351S.
Identifiers: ClinVar variation 1494384 (VCV001494384.6), dbSNP rs886054912, ClinGen allele CA10611288.
Genomic context (GRCh38, chr2:148,489,683, plus strand): 5'-AAAGGAATGCAGGTTGTCATCACCACTGCAGTCAACAGTACAACTCAGATCAGCCCCATT[C>T]CAGCTCTGAGTGCCATGAGTGCCTTCACTGCCTCAATTGGTGACCCATTAAATCTCTCCA-3'
Protein context (NP_001365049.1, residues 1341-1361): VNSTTQISPI[Pro1351Ser]ALSAMSAFTA

ClinVar aggregate classification (germline): Uncertain significance (1 of 4 stars; one submission).

Conditions:
Intellectual developmental disorder, autosomal dominant 1. Also called: Intellectual disability, autosomal dominant 1; MBD5 Haploinsufficiency. Identifiers: Orphanet 228402, MedGen C1969562, MONDO:0007974, OMIM 156200.

Allele frequency attached by ClinVar (database versions not stated): TOPMed below 0.00001.
gnomAD v4.1: 9 of 1,614,162 alleles (0.00056%); highest among the groups gnomAD compares: Non-Finnish European, 0.00076%; no homozygotes.

Submission:

Labcorp Genetics (formerly Invitae), Labcorp
Classification: Uncertain significance for Intellectual developmental disorder, autosomal dominant 1. Last evaluated: 2025-03-17. Review status: criteria provided, single submitter. Criteria: Invitae Variant Classification Sherloc (09022015). Collection method: clinical testing. Allele origin: germline.
Comment: This sequence change replaces proline, which is neutral and non-polar, with serine, which is neutral and polar, at codon 1118 of the MBD5 protein (p.Pro1118Ser). This variant is not present in population databases (gnomAD no frequency). This variant has not been reported in the literature in individuals affected with MBD5-related conditions. ClinVar contains an entry for this variant (Variation ID: 1494384). Experimental studies and prediction algorithms are not available or were not evaluated, and the functional significance of this variant is currently unknown. In summary, the available evidence is currently insufficient to determine the role of this variant in disease. Therefore, it has been classified as a Variant of Uncertain Significance.